The following is an entry in ClinVar:

ClinVar aggregate classification (germline): Uncertain significance. Review status: criteria provided, multiple submitters, no conflicts (2 of 4 stars). 2 submissions from 2 submitters: Uncertain significance (2). Last evaluated 2021-08-11.

Conditions:
Hypertrophic cardiomyopathy 9. Also called: Familial hypertrophic cardiomyopathy 9. Identifiers: MedGen C1861065, MONDO:0013412, OMIM 613765.
Dilated cardiomyopathy 1G (CMD1G). Identifiers: Orphanet 154, MedGen C1858763, MONDO:0011400, OMIM 604145.
Autosomal recessive limb-girdle muscular dystrophy type 2J (LGMDR10). Also called: Limb-girdle muscular dystrophy, type 2J; MUSCULAR DYSTROPHY, LIMB-GIRDLE, AUTOSOMAL RECESSIVE 10. Identifiers: Orphanet 140922, MedGen C1837342, MONDO:0012127, OMIM 608807.

Allele frequency attached by ClinVar (database versions not stated): gnomAD exomes below 0.00001; gnomAD 0.00001 and 0.00002; TOPMed 0.00003.
gnomAD v4.1: 9 of 1,613,432 alleles (0.00056%); highest among the groups gnomAD compares: Admixed American, 0.005%; no homozygotes.

Submissions (2):

Laboratorio de Genetica e Diagnostico Molecular, Hospital Israelita Albert Einstein
Classification: Uncertain significance for Hypertrophic cardiomyopathy 9; Dilated cardiomyopathy 1G. Last evaluated: 2021-08-11. Review status: criteria provided, single submitter. Criteria: ACMG Guidelines, 2015. Collection method: clinical testing. Allele origin: germline. Affected: yes.
Comment: ACMG classification criteria: BP4 supporting

Labcorp Genetics (formerly Invitae), Labcorp
Classification: Uncertain significance for Dilated cardiomyopathy 1G; Autosomal recessive limb-girdle muscular dystrophy type 2J. Last evaluated: 2017-08-28. Review status: criteria provided, single submitter. Criteria: Invitae Variant Classification Sherloc (09022015). Collection method: clinical testing. Allele origin: germline.

NM_001267550.2(TTN):c.58342A>G (p.Lys19448Glu)

Genes: TTN (titin; minus strand), TTN-AS1 (TTN antisense RNA 1; plus strand). Cytogenetic location: 2q31.2.
Variant type: single nucleotide variant.
Coding change: c.58342A>G on transcript NM_001267550.2 (MANE Select); coding-DNA position 58342, A replaced by G.
Protein change: p.Lys19448Glu; replaces lysine 19448 with glutamic acid.
Molecular consequence: missense variant.
Genome position (GRCh38, 1-based): chr2:178,594,051, T>C on the plus strand (A>G on the coding strand, the complement: TTN is on the minus strand). VCF-style: chr2-178594051-T-C. GRCh37 (hg19) VCF-style: chr2-179458778-T-C.
Other names: c.53419A>G, p.Lys17807Glu (NM_001256850.1); c.31147A>G, p.Lys10383Glu (NM_003319.4); c.50638A>G, p.Lys16880Glu (NM_133378.4); c.31522A>G, p.Lys10508Glu (NM_133432.3); c.31723A>G, p.Lys10575Glu (NM_133437.4); short protein forms K19448E, K10383E, K10575E, K16880E, K10508E, K17807E.
Identifiers: ClinVar variation 535342 (VCV000535342.5), dbSNP rs900082928, ClinGen allele CA60971759.
Genomic context (GRCh38, chr2:178,594,051, plus strand): 5'-TAGAGCCTGTACTGTTCTCCACAACCACACAGTATTTGCCGGAATCTGAACGTTTGGCCT[T>C]GATCTTCTCTAAAGCAAGTGTTGCTGGTGTAGTCTTTATATGAGTGCGATCATCTTCCAG-3'
Protein context (NP_001254479.2, residues 19438-19458): TPATLALEKI[Lys19448Glu]AKRSDSGKYC